The following is an entry in ClinVar:

NM_000245.4(MET):c.3422C>T (p.Ser1141Leu)

Gene: MET (MET proto-oncogene, receptor tyrosine kinase; plus strand). Cytogenetic location: 7q31.2.
Variant type: single nucleotide variant.
Coding change: c.3422C>T on transcript NM_000245.4 (MANE Select); coding-DNA position 3422, C replaced by T.
Protein change: p.Ser1141Leu; replaces serine 1141 with leucine.
Molecular consequence: missense variant.
Genome position (GRCh38, 1-based): chr7:116,778,857, C>T. VCF-style: chr7-116778857-C-T. GRCh37 (hg19) VCF-style: chr7-116418911-C-T.
Other names: c.3476C>T (LRG_662t1); c.3476C>T, p.Ser1159Leu (NM_001127500.3); c.2132C>T, p.Ser711Leu (NM_001324402.2); short protein forms S1159L, S1141L, S711L.
Identifiers: ClinVar variation 659937 (VCV000659937.14), dbSNP rs375395179, ClinGen allele CA4448719.

ClinVar aggregate classification (germline): Uncertain significance. Review status: criteria provided, multiple submitters, no conflicts (2 of 4 stars). 3 submissions from 3 submitters: Uncertain significance (3). Last evaluated 2025-04-03.

Conditions:
Autosomal recessive nonsyndromic hearing loss 97. Also called: Deafness, autosomal recessive 97. Identifiers: Orphanet 90636, MedGen C4084709, MONDO:0014739, OMIM 616705.
Hereditary cancer-predisposing syndrome. Also called: Hereditary neoplastic syndrome; Neoplastic Syndromes, Hereditary; Hereditary Cancer Syndrome; Tumor predisposition. Identifiers: Orphanet 140162, MedGen C0027672, MeSH D009386, MONDO:0015356.
Renal cell carcinoma. Identifiers: Orphanet 217071, MedGen C0007134, MeSH D002292, MONDO:0005086, HP:0005584.

Allele frequency attached by ClinVar (database versions not stated): ExAC 0.00001; gnomAD 0.00001; gnomAD exomes 0.00001; TOPMed 0.00001; ESP Exome Variant Server 0.00008.
gnomAD v4.1: 7 of 1,613,924 alleles (0.00043%); highest among the groups gnomAD compares: South Asian, 0.0011%; no homozygotes.

Submissions (3):

Ambry Genetics
Classification: Uncertain significance for Hereditary cancer-predisposing syndrome. Last evaluated: 2025-04-03. Review status: criteria provided, single submitter. Criteria: Ambry Variant Classification Scheme 2023. Collection method: clinical testing. Allele origin: germline.
Comment: The p.S1159L variant (also known as c.3476C>T), located in coding exon 16 of the MET gene, results from a C to T substitution at nucleotide position 3476. The serine at codon 1159 is replaced by leucine, an amino acid with dissimilar properties. This amino acid position is highly conserved in available vertebrate species. In addition, this alteration is predicted to be deleterious by in silico analysis. Since supporting evidence is limited at this time, the clinical significance of this alteration remains unclear.

Labcorp Genetics (formerly Invitae), Labcorp
Classification: Uncertain significance for Renal cell carcinoma. Last evaluated: 2024-06-04. Review status: criteria provided, single submitter. Criteria: Invitae Variant Classification Sherloc (09022015). Collection method: clinical testing. Allele origin: germline.
Comment: This sequence change replaces serine, which is neutral and polar, with leucine, which is neutral and non-polar, at codon 1159 of the MET protein (p.Ser1159Leu). This variant is present in population databases (rs375395179, gnomAD 0.002%). This variant has not been reported in the literature in individuals affected with MET-related conditions. ClinVar contains an entry for this variant (Variation ID: 659937). Advanced modeling of protein sequence and biophysical properties (such as structural, functional, and spatial information, amino acid conservation, physicochemical variation, residue mobility, and thermodynamic stability) performed at Invitae indicates that this missense variant is expected to disrupt MET protein function with a positive predictive value of 80%. In summary, the available evidence is currently insufficient to determine the role of this variant in disease. Therefore, it has been classified as a Variant of Uncertain Significance.

Baylor Genetics
Classification: Uncertain significance for Autosomal recessive nonsyndromic hearing loss 97. Last evaluated: 2024-02-15. Review status: criteria provided, single submitter. Criteria: ACMG Guidelines, 2015. Collection method: clinical testing. Allele origin: unknown.